The following is an entry in ClinVar:

GRCh38/hg38 16q22.1-24.3(chr16:70514631-90081985)x3

Genes: LOHAN2 (lncRNA oncogene in head and neck cancer 2; plus strand), MAF (MAF bZIP transcription factor; minus strand), MAFTRR (MAF transcriptional regulator RNA; minus strand), MAP1LC3B (microtubule associated protein 1 light chain 3 beta; plus strand), MARVELD3 (MARVEL domain containing 3; plus strand) and 1044 more. Cytogenetic location: 16q22.1-24.3.
Variant type: copy number gain.
Change: copy number 3 (three copies instead of two) of chr16:70,514,631-90,081,985 (19.57 Mb, GRCh38 coordinates, 1-based), cytogenetic band 16q22.1-24.3.
Identifiers: ClinVar variation 58646 (VCV000058646.2).

ClinVar aggregate classification (germline): Pathogenic (1 of 4 stars; one submission).

Submission:

ISCA Site 6
Classification: Pathogenic. Last evaluated: 2011-08-12. Review status: criteria provided, single submitter. Criteria: Kaminsky et al. (Genet Med. 2011). Collection method: clinical testing. Allele origin: de novo. Affected: yes. Observed: 1 variant allele.
Comment: Copy number variation identified through the course of routine clinical cytogenomic testing in postnatal populations. Clinical assertions have been curated as described in Kaminsky et al. 2011.